The following is an entry in ClinVar:

ClinVar aggregate classification (germline): Pathogenic. Review status: no assertion criteria provided (0 of 4 stars). 2 submissions from 2 submitters: Pathogenic (2). Last evaluated 2002-02-01.

Conditions:
Ornithine carbamoyltransferase deficiency (OTCD). Also called: ORNITHINE TRANSCARBAMYLASE DEFICIENCY, HYPERAMMONEMIA DUE TO; ORNITHINE TRANSCARBAMYLASE DEFICIENCY; OTC DEFICIENCY; Ornithine Carbamoyltransferase Deficiency Disease. Identifiers: Orphanet 664, MedGen C0268542, MONDO:0010703, OMIM 311250.

Submissions (2):

OMIM
Classification: Pathogenic for ORNITHINE TRANSCARBAMYLASE DEFICIENCY. Last evaluated: 2002-02-01. Review status: no assertion criteria provided. Collection method: literature only. Allele origin: germline.

GenMed Metabolism Lab
Classification: Pathogenic. Review status: no assertion criteria provided. Collection method: not provided. Allele origin: unknown.
Comment: Neonatal, Acceptor splice site error
ClinVar note: Converted during submission from pathogenic to Pathogenic.

Literature cited by the submitters: PubMed 11793468 (cited by OMIM).

NM_000531.6(OTC):c.217-1G>A

Gene: OTC (ornithine transcarbamylase; plus strand). Cytogenetic location: Xp11.4.
Variant type: single nucleotide variant.
Coding change: c.217-1G>A on transcript NM_000531.6 (MANE Select); the canonical splice acceptor site of the intron before coding-DNA position 217, G replaced by A.
Molecular consequence: splice acceptor variant.
Genome position (GRCh38, 1-based): chrX:38,369,795, G>A. VCF-style: chrX-38369795-G-A. GRCh37 (hg19) VCF-style: chrX-38229048-G-A.
Other names: IVS2, G-A, -1; c.217-1G>A (NM_001407092.1).
Identifiers: ClinVar variation 97136 (VCV000097136.2), dbSNP rs72554327, ClinGen allele CA224504.